The following is an entry in ClinVar:

NM_000368.5(TSC1):c.-219_-144+3del

Gene: TSC1 (TSC complex subunit 1; minus strand). Cytogenetic location: 9q34.13.
Variant type: Deletion.
Coding change: c.-219_-144+3del on transcript NM_000368.5 (MANE Select); 219 bases upstream of the start codon through 3 bases into the intron after 144 bases upstream of the start codon, 79 bases deleted.
Molecular consequence: splice donor variant, genic upstream transcript variant.
Genome position (GRCh38, 1-based): chr9:132,944,540-132,944,618, 79 bases deleted. GRCh37 (hg19): chr9:135,819,931-135,820,009.
Identifiers: ClinVar variation 3777705 (VCV003777705.1).

ClinVar aggregate classification (germline): Pathogenic (1 of 4 stars; one submission).

Conditions:
Tuberous sclerosis 1 (TSC1). Identifiers: Orphanet 805, MedGen C1854465, MONDO:0008612, OMIM 191100.

Submission:

Oasi Research Institute-IRCCS
Classification: Pathogenic for Tuberous sclerosis 1. Review status: criteria provided, single submitter. Criteria: ACMG Guidelines, 2015. Collection method: research. Allele origin: de novo. Affected: yes.
Comment: This variant causes splice junction loss, is located 2 base pairs before the transcription start site, in intron 1 of position 22 of the 9447 base pair sequence. ACMG criteria: PVS1 (LOF), PP4 (phenotype match), PM2 (absent from controls), PP3 (in silico evidence), PS2 (de novo) = Pathogenic. Based on the evidence outlined above, the variant was classified as Pathogenic.